The following is an entry in ClinVar:

NM_001723.7(DST):c.5808A>G (p.Glu1936=)

Gene: DST (dystonin; minus strand). Cytogenetic location: 6p12.1.
Variant type: single nucleotide variant.
Coding change: c.5808A>G on transcript NM_001723.7 (MANE Plus Clinical); coding-DNA position 5808, A replaced by G.
Protein change: p.Glu1936=; no amino-acid change (glutamic acid 1936 retained).
Molecular consequence: synonymous variant. On other transcripts: intron variant (10).
Genome position (GRCh38, 1-based): chr6:56,618,226, T>C on the plus strand (A>G on the coding strand, the complement: DST is on the minus strand). VCF-style: chr6-56618226-T-C. GRCh37 (hg19) VCF-style: chr6-56483024-T-C.
Other names: c.4831-3742A>G (NM_001144769.5); c.4930-3742A>G (NM_001374722.1, NM_001374736.1); c.4957-3742A>G (NM_001374734.1); c.4417-3742A>G (NM_001144770.2); c.4297-3742A>G (NM_001374730.1, NM_001386100.1, NM_183380.4 and 1 more transcripts); c.3319-3742A>G (NM_015548.5).
Identifiers: ClinVar variation 541475 (VCV000541475.13), dbSNP rs138015691, ClinGen allele CA3870302.

ClinVar aggregate classification (germline): Likely benign. Review status: criteria provided, single submitter (1 of 4 stars). 2 submissions from 2 submitters: Likely benign (1). 1 of the submissions does not count toward it. Last evaluated 2026-02-01.

Conditions:
DST-related disorder. Also called: DST-related condition; DST-related disorders.
Hereditary sensory and autonomic neuropathy type 6. Also called: HSAN VI; Neuropathy, hereditary sensory and autonomic, type VI. Identifiers: Orphanet 314381, MedGen C3539003, MONDO:0013839, OMIM 614653.
Epidermolysis bullosa simplex 3, localized or generalized intermediate, with BP230 deficiency (EBS3). Also called: Epidermolysis bullosa simplex, autosomal recessive 2; Epidermolysis bullosa simplex due to BP230 deficiency. Identifiers: Orphanet 412181, MedGen C3809470, MONDO:0014180, OMIM 615425.

Allele frequency attached by ClinVar (database versions not stated): ESP Exome Variant Server 0.00008; gnomAD 0.00019 and 0.00021; ExAC 0.00024; TOPMed 0.00024; gnomAD exomes 0.00028; 1000 Genomes Project 0.00060; 1000 Genomes Project 30x 0.00062.
gnomAD v4.1: 157 of 1,614,196 alleles (0.0097%); highest among the groups gnomAD compares: East Asian, 0.13%; no homozygotes.

Submissions (2):

Labcorp Genetics (formerly Invitae), Labcorp
Classification: Likely benign for Epidermolysis bullosa simplex 3, localized or generalized intermediate, with BP230 deficiency; Hereditary sensory and autonomic neuropathy type 6. Last evaluated: 2026-02-01. Review status: criteria provided, single submitter. Criteria: Invitae Variant Classification Sherloc (09022015). Collection method: clinical testing. Allele origin: germline.

PreventionGenetics, part of Exact Sciences
Classification: Likely benign for DST-related condition. Last evaluated: 2019-05-06. Review status: no assertion criteria provided. Collection method: clinical testing. Allele origin: germline. Not counted in ClinVar's aggregate classification.
Comment: This variant is classified as likely benign based on ACMG/AMP sequence variant interpretation guidelines (Richards et al. 2015 PMID: 25741868, with internal and published modifications).